The following is an entry in ClinVar:

NM_014991.6(WDFY3):c.2704G>A (p.Ala902Thr)

Genes: WDFY3 (WD repeat and FYVE domain containing 3; minus strand), WDFY3-AS1 (WDFY3 antisense RNA 1; plus strand). Cytogenetic location: 4q21.23.
Variant type: single nucleotide variant.
Coding change: c.2704G>A on transcript NM_014991.6 (MANE Select); coding-DNA position 2704, G replaced by A.
Protein change: p.Ala902Thr; replaces alanine 902 with threonine.
Molecular consequence: missense variant.
Genome position (GRCh38, 1-based): chr4:84,801,768, C>T on the plus strand (G>A on the coding strand, the complement: WDFY3 is on the minus strand). VCF-style: chr4-84801768-C-T. GRCh37 (hg19) VCF-style: chr4-85722921-C-T.
Other names: short protein forms A902T.
Identifiers: ClinVar variation 2500403 (VCV002500403.1), dbSNP rs1750610736, ClinGen allele CA357564082.

ClinVar aggregate classification (germline): Uncertain significance (1 of 4 stars; one submission).

Allele frequency attached by ClinVar (database versions not stated): TOPMed below 0.00001; gnomAD exomes 0.00001.
gnomAD v4.1: 3 of 1,614,098 alleles (0.00019%); highest among the groups gnomAD compares: East Asian, 0.0067%; no homozygotes.

Submission:

GeneDx
Classification: Uncertain significance. Last evaluated: 2022-10-25. Review status: criteria provided, single submitter. Criteria: GeneDx Variant Classification Process June 2021. Collection method: clinical testing. Allele origin: germline. Affected: yes.
Comment: Not observed at significant frequency in large population cohorts (gnomAD); In silico analysis supports that this missense variant does not alter protein structure/function; Has not been previously published as pathogenic or benign to our knowledge